The following is an entry in ClinVar:

NM_015610.4(WIPI2):c.789C>T (p.Leu263=)

Gene: WIPI2 (WD repeat domain, phosphoinositide interacting 2; plus strand). Cytogenetic location: 7p22.1.
Variant type: single nucleotide variant.
Coding change: c.789C>T on transcript NM_015610.4 (MANE Select); coding-DNA position 789, C replaced by T.
Protein change: p.Leu263=; no amino-acid change (leucine 263 retained).
Molecular consequence: synonymous variant.
Genome position (GRCh38, 1-based): chr7:5,225,871, C>T. VCF-style: chr7-5225871-C-T. GRCh37 (hg19) VCF-style: chr7-5265502-C-T.
Other names: c.789C>T, p.Leu263= (NM_001033518.2); c.735C>T, p.Leu245= (NM_001033519.2, NM_016003.4); c.612C>T, p.Leu204= (NM_001033520.1); c.357C>T, p.Leu119= (NM_001278299.2); c.789C>T (NM_015610.3).
Identifiers: ClinVar variation 2657267 (VCV002657267.26), dbSNP rs138018731, ClinGen allele CA4141854.

ClinVar aggregate classification (germline): Likely benign. Review status: criteria provided, multiple submitters, no conflicts (2 of 4 stars). 3 submissions from 3 submitters: Likely benign (2). 1 of the submissions does not count toward it. Last evaluated 2025-12-01.

Conditions:
WIPI2-related disorder. Also called: WIPI2-related condition.

Allele frequency attached by ClinVar (database versions not stated): 1000 Genomes Project 30x 0.00094; TOPMed 0.00095; gnomAD 0.00102; ESP Exome Variant Server 0.00115; 1000 Genomes Project 0.00120; ExAC 0.00179.
gnomAD v4.1: 1,900 of 1,613,896 alleles (0.12%); highest among the groups gnomAD compares: Middle Eastern, 1.7%; 18 homozygotes.

Submissions (3):

CeGaT Center for Human Genetics Tuebingen
Classification: Likely benign. Last evaluated: 2025-12-01. Review status: criteria provided, single submitter. Criteria: CeGaT Center For Human Genetics Tuebingen Variant Classification Criteria Version 2. Collection method: clinical testing. Allele origin: germline. Affected: yes. Observed: 4 variant alleles.
Comment: WIPI2: BP4, BP7, BS2

Blueprint Genetics
Classification: Likely benign. Last evaluated: 2024-11-05. Review status: criteria provided, single submitter. Criteria: ACMG Guidelines, 2015. Collection method: clinical testing. Allele origin: germline.

PreventionGenetics, part of Exact Sciences
Classification: Likely benign for WIPI2-related condition. Last evaluated: 2020-04-29. Review status: no assertion criteria provided. Collection method: clinical testing. Allele origin: germline. Not counted in ClinVar's aggregate classification.
Comment: This variant is classified as likely benign based on ACMG/AMP sequence variant interpretation guidelines (Richards et al. 2015 PMID: 25741868, with internal and published modifications).